The following is an entry in ClinVar:

NM_004984.4(KIF5A):c.2993-6C>A

Gene: KIF5A (kinesin family member 5A; plus strand). Cytogenetic location: 12q13.3.
Variant type: single nucleotide variant.
Coding change: c.2993-6C>A on transcript NM_004984.4 (MANE Select); 6 bases into the intron before coding-DNA position 2993, C replaced by A.
Molecular consequence: intron variant.
Genome position (GRCh38, 1-based): chr12:57,582,596, C>A. VCF-style: chr12-57582596-C-A. GRCh37 (hg19) VCF-style: chr12-57976379-C-A.
Other names: c.2726-6C>A (NM_001354705.2).
Identifiers: ClinVar variation 1344421 (VCV001344421.4), dbSNP rs1057522322, ClinGen allele CA2573053733.
Genomic context (GRCh38, chr12:57,582,596, plus strand): 5'-TGTTTCTAACACCCAATCTCCTTTTTTCTTCTTCTAATCCTGTGTTCTCAATGATGATCT[C>A]TTCAGGAAATGCCACAGATATCAATGACAATAGGTACAACAGTCCCCACTACCCCTGGGT-3'

ClinVar aggregate classification (germline): Uncertain significance. Review status: criteria provided, single submitter (1 of 4 stars). 2 submissions from 2 submitters: Uncertain significance (1). 1 of the submissions does not count toward it. Last evaluated 2021-02-22.

Conditions:
KIF5A-related disorder. Also called: KIF5A-related disorders; KIF5A-related condition.
Hereditary spastic paraplegia. Also called: Familial spastic paraparesis. Identifiers: Orphanet 685, MedGen C0037773, MONDO:0019064. Disease mechanism: loss of function.

Submissions (2):

Genome Diagnostics Laboratory, The Hospital for Sick Children
Classification: Uncertain significance for Hereditary spastic paraplegia. Last evaluated: 2021-02-22. Review status: criteria provided, single submitter. Criteria: ACMG Guidelines, 2015. Collection method: clinical testing. Allele origin: germline. Affected: yes.

PreventionGenetics, part of Exact Sciences
Classification: Uncertain significance for KIF5A-related condition. Last evaluated: 2024-03-20. Review status: no assertion criteria provided. Collection method: clinical testing. Allele origin: germline. Not counted in ClinVar's aggregate classification.
Comment: The KIF5A c.2993-6C>A variant is predicted to interfere with splicing. This variant is predicted to create a cryptic splice site based on available splicing prediction programs (SpliceAI, Jaganathan et al. 2019. PubMed ID: 30661751), however, such computer prediction programs are imperfect. To our knowledge, this variant has not been reported in the literature or in a large population database, indicating this variant is rare. Although we suspect that this variant may be pathogenic, at this time, the clinical significance of this variant is uncertain due to the absence of conclusive functional and genetic evidence.